The following is an entry in ClinVar:

ClinVar aggregate classification (germline): Uncertain significance (1 of 4 stars; one submission).

Conditions:
Hereditary nonpolyposis colorectal neoplasms. Identifiers: MedGen C0009405, MeSH D003123.

Submission:

Labcorp Genetics (formerly Invitae), Labcorp
Classification: Uncertain significance for Hereditary nonpolyposis colorectal neoplasms. Last evaluated: 2022-03-07. Review status: criteria provided, single submitter. Criteria: Invitae Variant Classification Sherloc (09022015). Collection method: clinical testing. Allele origin: germline.
Comment: ClinVar contains an entry for this variant (Variation ID: 1023014). In summary, the available evidence is currently insufficient to determine the role of this variant in disease. Therefore, it has been classified as a Variant of Uncertain Significance. Advanced modeling of protein sequence and biophysical properties (such as structural, functional, and spatial information, amino acid conservation, physicochemical variation, residue mobility, and thermodynamic stability) performed at Invitae indicates that this missense variant is not expected to disrupt MSH6 protein function. This variant has not been reported in the literature in individuals affected with MSH6-related conditions. This variant is not present in population databases (gnomAD no frequency). This sequence change replaces glutamine, which is neutral and polar, with leucine, which is neutral and non-polar, at codon 325 of the MSH6 protein (p.Gln325Leu).

NM_000179.3(MSH6):c.974A>T (p.Gln325Leu)

Gene: MSH6 (mutS homolog 6; plus strand). Cytogenetic location: 2p16.3.
Variant type: single nucleotide variant.
Coding change: c.974A>T on transcript NM_000179.3 (MANE Select); coding-DNA position 974, A replaced by T.
Protein change: p.Gln325Leu; replaces glutamine 325 with leucine.
Molecular consequence: missense variant.
Genome position (GRCh38, 1-based): chr2:47,798,957, A>T. VCF-style: chr2-47798957-A-T. GRCh37 (hg19) VCF-style: chr2-48026096-A-T.
Other names: c.584A>T, p.Gln195Leu (NM_001281492.2); c.68A>T, p.Gln23Leu (NM_001281493.2, NM_001281494.2); short protein forms Q195L, Q23L, Q325L.
Identifiers: ClinVar variation 1023014 (VCV001023014.9), dbSNP rs1669278862, ClinGen allele CA346740976.